The following is an entry in ClinVar:

ClinVar aggregate classification (germline): Pathogenic. Review status: reviewed by expert panel (3 of 4 stars). 13 submissions from 13 submitters: Pathogenic (1). 12 of the submissions do not count toward it. Last evaluated 2016-09-08.

Conditions:
Hereditary cancer-predisposing syndrome. Also called: Neoplastic Syndromes, Hereditary; Tumor predisposition; Hereditary Cancer Syndrome; Hereditary neoplastic syndrome. Identifiers: Orphanet 140162, MedGen C0027672, MeSH D009386, MONDO:0015356.
Hereditary breast ovarian cancer syndrome. Also called: Hereditary breast and/or ovarian cancer syndrome; Hereditary breast and ovarian cancer syndrome; Hereditary breast and ovarian cancer; Hereditary breast and ovarian cancer syndrome (HBOC); Breast and ovarian cancer; BRCA1- and BRCA2-Associated Hereditary Breast and Ovarian Cancer. Identifiers: Orphanet 145, MedGen C0677776, MeSH D061325, MONDO:0003582. Disease mechanism: loss of function.
Breast-ovarian cancer, familial, susceptibility to, 1 (BROVCA1). Also called: OVARIAN CANCER, SUSCEPTIBILITY TO; BRCA1 Hereditary Breast and Ovarian Cancer. Identifiers: Orphanet 145, MedGen C2676676, MONDO:0011450, OMIM 604370. Disease mechanism: loss of function.

Submissions (13):

Evidence-based Network for the Interpretation of Germline Mutant Alleles (ENIGMA)
Classification: Pathogenic for Breast-ovarian cancer, familial, susceptibility to, 1. Last evaluated: 2016-09-08. Review status: reviewed by expert panel. Criteria: ENIGMA BRCA1/2 Classification Criteria (2015). Collection method: curation. Allele origin: germline.
Comment: Variant allele predicted to encode a truncated non-functional protein.

Labcorp Genetics (formerly Invitae), Labcorp
Classification: Pathogenic for Hereditary breast ovarian cancer syndrome. Last evaluated: 2025-10-13. Review status: criteria provided, single submitter. Criteria: Invitae Variant Classification Sherloc (09022015). Collection method: clinical testing. Allele origin: germline. Not counted in ClinVar's aggregate classification.
Comment: This sequence change creates a premature translational stop signal (p.Asn704Cysfs*7) in the BRCA1 gene. It is expected to result in an absent or disrupted protein product. Loss-of-function variants in BRCA1 are known to be pathogenic (PMID: 20104584). This variant is not present in population databases (gnomAD no frequency). This premature translational stop signal has been observed in individual(s) with breast and/or ovarian cancer (PMID: 14973102, 15951958, 25927356, 26848529). It has also been observed to segregate with disease in related individuals. ClinVar contains an entry for this variant (Variation ID: 54462). For these reasons, this variant has been classified as Pathogenic.

Ambry Genetics
Classification: Pathogenic for Hereditary cancer-predisposing syndrome. Last evaluated: 2025-01-16. Review status: criteria provided, single submitter. Criteria: Ambry Variant Classification Scheme 2023. Collection method: clinical testing. Allele origin: germline. Not counted in ClinVar's aggregate classification.
Comment: The c.2110_2111delAA pathogenic mutation, located in coding exon 9 of the BRCA1 gene, results from a deletion of two nucleotides at positions 2110 and 2111, causing a translational frameshift with a predicted alternate stop codon (p.N704Cfs*7). This variant was reported in individual(s) with features consistent with BRCA1-related cancer predisposition (Suter NM et al. Cancer Epidemiol. Biomarkers Prev. 2004 Feb; 13(2):181-9; Bergman A et al. Fam. Cancer 2005; 4(2):89-96; Li WF et al. Breast Cancer Res. Treat. 2008 Jul; 110(1):99-109; Wu X et al. Int J Gynecol Cancer 2017 10;27:1650-1657; Li A et al. Gynecol Oncol, 2018 10;151:145-152; Bhaskaran SP et al. Int J Cancer. 2019 08;145:962-973; Liu Y et al. J Hematol Oncol. 2021 01;14:18). Of note, this variant is also referred to as 2229delAA and c.2228_2229del in published literature. This variant is considered to be rare based on population cohorts in the Genome Aggregation Database (gnomAD). In addition to the clinical data presented in the literature, this alteration is expected to result in loss of function by premature protein truncation or nonsense-mediated mRNA decay. As such, this alteration is interpreted as a disease-causing mutation.

Department of Clinical Genetics, Copenhagen University Hospital, Rigshospitalet
Classification: Pathogenic for Breast-ovarian cancer, familial, susceptibility to, 1. Last evaluated: 2024-05-27. Review status: criteria provided, single submitter. Criteria: ACMG Guidelines, 2015. Collection method: clinical testing. Allele origin: germline. Affected: yes. Not counted in ClinVar's aggregate classification.
Comment: PVS1; PM2_supporting; PM5_PTC_Strong

Women's Health and Genetics/Laboratory Corporation of America, LabCorp
Classification: Pathogenic for Hereditary breast ovarian cancer syndrome. Last evaluated: 2021-04-25. Review status: criteria provided, single submitter. Criteria: LabCorp Variant Classification Summary - May 2015. Collection method: clinical testing. Allele origin: germline. Not counted in ClinVar's aggregate classification.
Comment: Variant summary: BRCA1 c.2110_2111delAA (p.Asn704CysfsX7) results in a premature termination codon, predicted to cause a truncation of the encoded protein or absence of the protein due to nonsense mediated decay, which are commonly known mechanisms for disease. Truncations downstream of this position have been classified as pathogenic by our laboratory. The variant was absent in 251226 control chromosomes. c.2110_2111delAA has been reported in the literature in multiple individuals affected with Hereditary Breast And Ovarian Cancer Syndrome (example, Rebbeck_2018, Kim_2016). These data indicate that the variant is very likely to be associated with disease. To our knowledge, no experimental evidence demonstrating an impact on protein function has been reported. Three clinical diagnostic laboratories, an expert panel (ENIGMA) and a consortium (CIMBA) have submitted clinical-significance assessments for this variant to ClinVar after 2014 without evidence for independent evaluation. All submitters classified the variant as pathogenic. Based on the evidence outlined above, the variant was classified as pathogenic.

Baylor Genetics
Classification: Pathogenic for Breast-ovarian cancer, familial, susceptibility to, 1. Last evaluated: 2021-01-25. Review status: criteria provided, single submitter. Criteria: ACMG Guidelines, 2015. Collection method: clinical testing. Allele origin: unknown. Not counted in ClinVar's aggregate classification.

ARUP Laboratories, Molecular Genetics and Genomics, ARUP Laboratories
Classification: Pathogenic. Last evaluated: 2020-12-30. Review status: criteria provided, single submitter. Criteria: ARUP Molecular Germline Variant Investigation Process 2021. Collection method: clinical testing. Allele origin: germline. Not counted in ClinVar's aggregate classification.
Comment: The BRCA1 c.2110_2111delAA; p.Asn704CysfsTer7 variant (rs80357814), also known as c.2228_2229del, is reported in the literature in several individuals affected with breast and/or ovarian cancer (Bergman 2005, Deng 2019, Li 2018, Yang 2015, Zeng 2020). This variant is also reported in ClinVar (Variation ID: 54462), and is absent from general population databases (Exome Variant Server, Genome Aggregation Database), indicating it is not a common polymorphism. This variant causes a frameshift by deleting 2 nucleotides, so it is predicted to result in a truncated protein or mRNA subject to nonsense-mediated decay. Based on available information, this variant is considered to be pathogenic. References: Bergman A et al. A high frequency of germline BRCA1/2 mutations in western Sweden detected with complementary screening techniques. Fam Cancer. 2005;4(2):89-96. Deng M et al. Prevalence and clinical outcomes of germline mutations in BRCA1/2 and PALB2 genes in 2769 unselected breast cancer patients in China. Int J Cancer. 2019 Sep 15;145(6):1517-1528. Li A et al. BRCA germline mutations in an unselected nationwide cohort of Chinese patients with ovarian cancer and healthy controls. Gynecol Oncol. 2018 Oct;151(1):145-152. Yang X et al. Identification of a comprehensive spectrum of genetic factors for hereditary breast cancer in a Chinese population by next-generation sequencing. PLoS One. 2015 Apr 30;10(4):e0125571. Zeng C et al. Evaluation of pathogenetic mutations in breast cancer predisposition genes in population-based studies conducted among Chinese women. Breast Cancer Res Treat. 2020 Jun;181(2):465-473.

Genetics and Molecular Pathology, SA Pathology
Classification: Pathogenic for Breast-ovarian cancer, familial, susceptibility to, 1. Last evaluated: 2020-11-25. Review status: criteria provided, single submitter. Criteria: ACMG Guidelines, 2015. Collection method: clinical testing. Allele origin: germline. Affected: yes. Not counted in ClinVar's aggregate classification.
Comment: The BRCA1 c.2110_2111delAA variant is classified as Pathogenic (PVS1, PM2, PP5) This BRCA1 c.2110_2111delAA variant iis predicted to cause a shift in the reading frame at codon 704. This variant is absent from population databases (PM2). The variant has been reported in dbSNP (rs80357814) and in the HGMD database: CM056138. It has been reported as Pathogenic by other diagnostic laboratories (ClinVar Variation ID: 54462).

Clinical Genetics and Genomics, Karolinska University Hospital
Classification: Pathogenic. Last evaluated: 2017-06-27. Review status: criteria provided, single submitter. Criteria: ACMG Guidelines, 2015. Collection method: clinical testing. Allele origin: germline. Affected: yes. Observed: 5 variant alleles. Not counted in ClinVar's aggregate classification.

Consortium of Investigators of Modifiers of BRCA1/2 (CIMBA), c/o University of Cambridge
Classification: Pathogenic for Breast-ovarian cancer, familial, susceptibility to, 1. Last evaluated: 2015-10-02. Review status: criteria provided, single submitter. Criteria: CIMBA Mutation Classification guidelines May 2016. Collection method: clinical testing. Allele origin: germline. Not counted in ClinVar's aggregate classification.

Juno Genomics, Hangzhou Juno Genomics, Inc
Classification: Pathogenic for Breast-ovarian cancer, familial, susceptibility to, 1. Review status: criteria provided, single submitter. Criteria: ACMG Guidelines, 2015. Collection method: clinical testing. Allele origin: germline. Not counted in ClinVar's aggregate classification.
Comment: Absent from controls (or at extremely low frequency if recessive) in Genome Aggregation Database.;Null variant in a gene where loss of function (LOF) is a known mechanism of disease.;Novel missense change at an amino acid residue where a different missense change determined to be pathogenic has been seen before.

BRCAlab, Lund University
Classification: Pathogenic for Breast-ovarian cancer, familial, susceptibility to, 1. Last evaluated: 2022-08-26. Review status: no assertion criteria provided. Collection method: clinical testing. Allele origin: germline. Affected: yes. Not counted in ClinVar's aggregate classification.

Breast Cancer Information Core (BIC) (BRCA1)
Classification: Pathogenic for Breast-ovarian cancer, familial 1. Last evaluated: 1999-04-06. Review status: no assertion criteria provided. Collection method: clinical testing. Allele origin: germline. Affected: yes. Observed: 4 variant alleles. Not counted in ClinVar's aggregate classification.

Literature cited by the submitters: PubMed 20104584 (cited by Labcorp Genetics (formerly Invitae), Labcorp); PubMed 14973102 (cited by 3 submitters); PubMed 15951958 (cited by Labcorp Genetics (formerly Invitae), Labcorp and Ambry Genetics); PubMed 25927356 (cited by Labcorp Genetics (formerly Invitae), Labcorp); PubMed 26848529 (cited by Labcorp Genetics (formerly Invitae), Labcorp and Women's Health and Genetics/Laboratory Corporation of America, LabCorp); PubMed 17851763 (cited by Ambry Genetics); PubMed 28692638 (cited by Ambry Genetics); PubMed 30078507 (cited by Ambry Genetics); PubMed 30702160 (cited by Ambry Genetics); PubMed 33461583 (cited by Ambry Genetics); PubMed 29446198 (cited by Women's Health and Genetics/Laboratory Corporation of America, LabCorp); PubMed 32072338 (cited by Women's Health and Genetics/Laboratory Corporation of America, LabCorp).

NM_007294.4(BRCA1):c.2110_2111del (p.Asn704fs)

Gene: BRCA1 (BRCA1 DNA repair associated; minus strand). Cytogenetic location: 17q21.31.
Variant type: Deletion.
Coding change: c.2110_2111del on transcript NM_007294.4 (MANE Select); coding-DNA positions 2110 to 2111, 2 bases deleted (AA; older notation c.2110_2111delAA).
Protein change: p.Asn704fs; shifts the reading frame from asparagine 704.
Molecular consequence: frameshift variant. On other transcripts: intron variant (137).
Genome position (GRCh38, 1-based): chr17:43,093,420-43,093,421, TT deleted on the plus strand (AA on the coding strand, the reverse complement: BRCA1 is on the minus strand); deleting any 2 consecutive bases within chr17:43,093,420-43,093,422 gives the same sequence; the c. name uses the placement nearest the transcript's 3' end. VCF-style (leftmost placement, unchanged base first): chr17-43093419-ATT-A. GRCh37 (hg19) VCF-style: chr17-41245436-ATT-A.
Other names: 2229delAA; c.2110_2111delAA (NM_007294.3); c.1897_1898del, p.Asn633fs (NM_001407571.1, NM_001407853.1, NM_001407894.1 and 9 more transcripts); c.2110_2111del, p.Asn704fs (NM_001407581.1, NM_001407582.1, NM_001407583.1 and 30 more transcripts); c.2107_2108del, p.Asn703fs (NM_001407587.1, NM_001407590.1, NM_001407591.1 and 22 more transcripts); c.2101_2102del, p.Asn701fs (NM_001407646.1, NM_001407647.1); c.1987_1988del, p.Asn663fs (NM_001407648.1, NM_001407664.1, NM_001407665.1 and 19 more transcripts); c.1984_1985del, p.Asn662fs (NM_001407649.1, NM_001407670.1, NM_001407671.1 and 11 more transcripts); and 43 more; short protein forms N657fs, N704fs, N616fs, N663fs, N678fs, N408fs, N536fs, N577fs.
Identifiers: ClinVar variation 54462 (VCV000054462.44), dbSNP rs80357814, ClinGen allele CA001396.